The following is an entry in ClinVar:

NM_203447.4(DOCK8):c.4235dup (p.Asp1413fs)

Gene: DOCK8 (dedicator of cytokinesis 8; plus strand). Cytogenetic location: 9p24.3.
Variant type: Duplication.
Coding change: c.4235dup on transcript NM_203447.4 (MANE Select); coding-DNA position 4235, one base duplicated (T; older notation c.4235dupT).
Protein change: p.Asp1413fs; shifts the reading frame from aspartic acid 1413.
Molecular consequence: frameshift variant.
Genome position (GRCh38, 1-based): chr9:422,129, T duplicated. VCF-style (leftmost placement, unchanged base first): chr9-422128-C-CT. GRCh37 (hg19) VCF-style: chr9-422128-C-CT.
Other names: c.3935dup, p.Asp1313fs (NM_001190458.2); c.4031dup, p.Asp1345fs (NM_001193536.2); short protein forms D1313fs, D1345fs, D1413fs.
Identifiers: ClinVar variation 2136721 (VCV002136721.5), dbSNP rs1486504113, ClinGen allele CA585879817.

ClinVar aggregate classification (germline): Pathogenic. Review status: criteria provided, multiple submitters, no conflicts (2 of 4 stars). 2 submissions from 2 submitters: Pathogenic (2). Last evaluated 2026-01-09.

Conditions:
DOCK8-related disorders.
Combined immunodeficiency due to DOCK8 deficiency (HIES2). Also called: HYPER-IgE SYNDROME 2, AUTOSOMAL RECESSIVE, WITH RECURRENT INFECTIONS; HIES autosomal recessive; HYPER-IgE RECURRENT INFECTION SYNDROME 2, AUTOSOMAL RECESSIVE; Hyper-IgE recurrent infection syndrome, autosomal recessive; DOCK8 Deficiency. Identifiers: Orphanet 217390, MedGen C4722305, MONDO:0009478, OMIM 243700.

Allele frequency attached by ClinVar (database versions not stated): TOPMed 0.00001; gnomAD 0.00002; gnomAD exomes 0.00002.

Submissions (2):

Labcorp Genetics (formerly Invitae), Labcorp
Classification: Pathogenic for Combined immunodeficiency due to DOCK8 deficiency. Last evaluated: 2026-01-09. Review status: criteria provided, single submitter. Criteria: Invitae Variant Classification Sherloc (09022015). Collection method: clinical testing. Allele origin: germline.
Comment: This sequence change creates a premature translational stop signal (p.Asp1413Argfs*2) in the DOCK8 gene. It is expected to result in an absent or disrupted protein product. Loss-of-function variants in DOCK8 are known to be pathogenic (PMID: 14722525, 19776401). This variant is present in population databases (no rsID available, gnomAD 0.002%). This premature translational stop signal has been observed in individual(s) with hyper-IgE syndrome (PMID: 24797421). This variant is also known as c.4031_4032insT . ClinVar contains an entry for this variant (Variation ID: 2136721). For these reasons, this variant has been classified as Pathogenic.

Blueprint Genetics
Classification: Pathogenic for DOCK8-related disorders. Last evaluated: 2024-07-01. Review status: criteria provided, single submitter. Criteria: ACMG Guidelines, 2015. Collection method: clinical testing. Allele origin: germline. Affected: yes. Observed: 4 variant alleles.

Literature cited by the submitters: PubMed 14722525 (cited by Labcorp Genetics (formerly Invitae), Labcorp); PubMed 19776401 (cited by Labcorp Genetics (formerly Invitae), Labcorp); PubMed 24797421 (cited by Labcorp Genetics (formerly Invitae), Labcorp).